The following is an entry in ClinVar:

ClinVar aggregate classification (germline): Pathogenic/Likely pathogenic. Review status: criteria provided, multiple submitters, no conflicts (2 of 4 stars). 2 submissions from 2 submitters: Pathogenic (1); Likely pathogenic (1). Last evaluated 2023-12-25.

Conditions:
Tyrosinemia type II (TYRSN2). Also called: KERATOSIS PALMOPLANTARIS WITH CORNEAL DYSTROPHY; OREGON TYPE TYROSINEMIA; TAT DEFICIENCY; TYROSINE AMINOTRANSFERASE DEFICIENCY; TYROSINE TRANSAMINASE DEFICIENCY. Identifiers: Orphanet 28378, MedGen C0268487, MONDO:0010160, OMIM 276600.

gnomAD v4.1: 1 of 1,612,650 alleles (0.000062%); highest among the groups gnomAD compares: Non-Finnish European, 0.000085%; no homozygotes.

Submissions (2):

Labcorp Genetics (formerly Invitae), Labcorp
Classification: Pathogenic for Tyrosinemia type II. Last evaluated: 2023-12-25. Review status: criteria provided, single submitter. Criteria: Invitae Variant Classification Sherloc (09022015). Collection method: clinical testing. Allele origin: germline.
Comment: This sequence change affects codon 408 of the TAT mRNA. It is a 'silent' change, meaning that it does not change the encoded amino acid sequence of the TAT protein. RNA analysis indicates that this variant induces altered splicing and likely results in a shortened protein product. This variant is not present in population databases (gnomAD no frequency). This variant has been observed in individual(s) with tyrosinemia (PMID: 16917729; Invitae). Variants that disrupt the consensus splice site are a relatively common cause of aberrant splicing (PMID: 17576681, 9536098). Studies have shown that this variant results in skipping of exon 11, but is expected to preserve the integrity of the reading-frame (PMID: 16917729). For these reasons, this variant has been classified as Pathogenic.

Baylor Genetics
Classification: Likely pathogenic for Tyrosinemia type II. Last evaluated: 2023-10-07. Review status: criteria provided, single submitter. Criteria: ACMG Guidelines, 2015. Collection method: clinical testing. Allele origin: unknown.

Literature cited by the submitters: PubMed 16917729 (cited by Labcorp Genetics (formerly Invitae), Labcorp); PubMed 17576681 (cited by Labcorp Genetics (formerly Invitae), Labcorp); PubMed 9536098 (cited by Labcorp Genetics (formerly Invitae), Labcorp).

NM_000353.3(TAT):c.1224G>T (p.Thr408=)

Genes: TAT (tyrosine aminotransferase; minus strand), TAT-AS1 (TAT antisense RNA 1; plus strand). Cytogenetic location: 16q22.2.
Variant type: single nucleotide variant.
Coding change: c.1224G>T on transcript NM_000353.3 (MANE Select); coding-DNA position 1224, G replaced by T.
Protein change: p.Thr408=; no amino-acid change (threonine 408 retained).
Molecular consequence: synonymous variant.
Genome position (GRCh38, 1-based): chr16:71,568,711, C>A on the plus strand (G>T on the coding strand, the complement: TAT is on the minus strand). VCF-style: chr16-71568711-C-A. GRCh37 (hg19) VCF-style: chr16-71602614-C-A.
Identifiers: ClinVar variation 2679097 (VCV002679097.4), dbSNP rs756743947, ClinGen allele CA496276465.